The following is an entry in ClinVar:

ClinVar aggregate classification (germline): Uncertain significance. Review status: criteria provided, multiple submitters, no conflicts (2 of 4 stars). 2 submissions from 2 submitters: Uncertain significance (2). Last evaluated 2025-09-02.

Allele frequency attached by ClinVar (database versions not stated): gnomAD 0.00001; TOPMed 0.00003; ExAC 0.00006; gnomAD exomes 0.00002.
gnomAD v4.1: 26 of 1,613,072 alleles (0.0016%); highest among the groups gnomAD compares: Admixed American, 0.04%; no homozygotes.

Submissions (2):

Labcorp Genetics (formerly Invitae), Labcorp
Classification: Uncertain significance. Last evaluated: 2025-09-02. Review status: criteria provided, single submitter. Criteria: Invitae Variant Classification Sherloc (09022015). Collection method: clinical testing. Allele origin: germline.
Comment: This sequence change replaces threonine, which is neutral and polar, with isoleucine, which is neutral and non-polar, at codon 30 of the MRPL40 protein (p.Thr30Ile). This variant is present in population databases (rs760153460, gnomAD 0.06%), and has an allele count higher than expected for a pathogenic variant. This variant has not been reported in the literature in individuals affected with MRPL40-related conditions. ClinVar contains an entry for this variant (Variation ID: 3207822). An algorithm developed to predict the effect of missense changes on protein structure and function (PolyPhen-2) suggests that this variant is likely to be tolerated. In summary, the available evidence is currently insufficient to determine the role of this variant in disease. Therefore, it has been classified as a Variant of Uncertain Significance.

Ambry Genetics
Classification: Uncertain significance. Last evaluated: 2023-12-13. Review status: criteria provided, single submitter. Criteria: Ambry Variant Classification Scheme 2023. Collection method: clinical testing. Allele origin: germline.

NM_003776.4(MRPL40):c.89C>T (p.Thr30Ile)

Gene: MRPL40 (mitochondrial ribosomal protein L40; plus strand). Cytogenetic location: 22q11.21.
Variant type: single nucleotide variant.
Coding change: c.89C>T on transcript NM_003776.4 (MANE Select); coding-DNA position 89, C replaced by T.
Protein change: p.Thr30Ile; replaces threonine 30 with isoleucine.
Molecular consequence: missense variant. On other transcripts: 5 prime UTR variant (1).
Genome position (GRCh38, 1-based): chr22:19,433,300, C>T. VCF-style: chr22-19433300-C-T. GRCh37 (hg19) VCF-style: chr22-19420823-C-T.
Other names: c.-44C>T (NM_001318151.2); short protein forms T30I.
Identifiers: ClinVar variation 3207822 (VCV003207822.3), dbSNP rs760153460, ClinGen allele CA10100128.